The following is an entry in ClinVar:

ClinVar aggregate classification (germline): Likely pathogenic (1 of 4 stars; one submission).

Conditions:
Propionic acidemia (PROP). Also called: GLYCINEMIA, KETOTIC; HYPERGLYCINEMIA WITH KETOACIDOSIS AND LEUKOPENIA; KETOTIC HYPERGLYCINEMIA. Identifiers: Orphanet 35, MedGen C0268579, MONDO:0011628, OMIM 606054, HP:0003571.

Allele frequency attached by ClinVar (database versions not stated): gnomAD exomes below 0.00001.
gnomAD v4.1: 1 of 1,606,658 alleles (0.000062%); highest among the groups gnomAD compares: African/African-American, 0.0013%; no homozygotes.

Submission:

Labcorp Genetics (formerly Invitae), Labcorp
Classification: Likely pathogenic for Propionic acidemia. Last evaluated: 2023-07-25. Review status: criteria provided, single submitter. Criteria: Invitae Variant Classification Sherloc (09022015). Collection method: clinical testing. Allele origin: germline.
Comment: This sequence change affects an acceptor splice site in intron 14 of the PCCA gene. It is expected to disrupt RNA splicing. Variants that disrupt the donor or acceptor splice site typically lead to a loss of protein function (PMID: 16199547), and loss-of-function variants in PCCA are known to be pathogenic (PMID: 15464417). In summary, the currently available evidence indicates that the variant is pathogenic, but additional data are needed to prove that conclusively. Therefore, this variant has been classified as Likely Pathogenic. Algorithms developed to predict the effect of sequence changes on RNA splicing suggest that this variant may disrupt the consensus splice site. This variant has not been reported in the literature in individuals affected with PCCA-related conditions. This variant is not present in population databases (gnomAD no frequency).

Literature cited by the submitters: PubMed 16199547; PubMed 15464417.

NM_000282.4(PCCA):c.1285-2A>G

Gene: PCCA (propionyl-CoA carboxylase subunit alpha; plus strand). Cytogenetic location: 13q32.3.
Variant type: single nucleotide variant.
Coding change: c.1285-2A>G on transcript NM_000282.4 (MANE Select); the canonical splice acceptor site of the intron before coding-DNA position 1285, A replaced by G.
Molecular consequence: splice acceptor variant.
Genome position (GRCh38, 1-based): chr13:100,307,190, A>G. VCF-style: chr13-100307190-A-G. GRCh37 (hg19) VCF-style: chr13-100959444-A-G.
Other names: c.1285-2A>G (NM_001178004.2, NM_001352605.2, NM_001352609.2); c.1141-2A>G (NM_001352606.2); c.340-2A>G (NM_001352610.2, NM_001352611.2); c.196-2A>G (NM_001352612.2); c.1207-2A>G (NM_001127692.3, NM_001352607.2); c.1063-2A>G (NM_001352608.2).
Identifiers: ClinVar variation 2744265 (VCV002744265.3), dbSNP rs2066519077, ClinGen allele CA388695577.